The following is an entry in ClinVar:

ClinVar aggregate classification (germline): Uncertain significance. Review status: criteria provided, multiple submitters, no conflicts (2 of 4 stars). 3 submissions from 3 submitters: Uncertain significance (3). Last evaluated 2025-02-21.

Conditions:
Inborn genetic diseases. Identifiers: MedGen C0950123, MeSH D030342.

Allele frequency attached by ClinVar (database versions not stated): ExAC 0.00001; gnomAD exomes 0.00001; ESP Exome Variant Server 0.00008; gnomAD 0.00013; TOPMed 0.00019.
gnomAD v4.1: 41 of 1,608,840 alleles (0.0025%); highest among the groups gnomAD compares: African/African-American, 0.047%; no homozygotes.

Submissions (3):

GeneDx
Classification: Uncertain significance. Last evaluated: 2025-02-21. Review status: criteria provided, single submitter. Criteria: GeneDx Variant Classification Process June 2021. Collection method: clinical testing. Allele origin: germline. Affected: yes.
Comment: In silico analysis indicates that this missense variant does not alter protein structure/function; Has not been previously published as pathogenic or benign to our knowledge

Labcorp Genetics (formerly Invitae), Labcorp
Classification: Uncertain significance. Last evaluated: 2024-10-15. Review status: criteria provided, single submitter. Criteria: Invitae Variant Classification Sherloc (09022015). Collection method: clinical testing. Allele origin: germline.
Comment: This sequence change replaces isoleucine, which is neutral and non-polar, with valine, which is neutral and non-polar, at codon 123 of the GFM2 protein (p.Ile123Val). This variant is present in population databases (rs145665250, gnomAD 0.05%). This variant has not been reported in the literature in individuals affected with GFM2-related conditions. ClinVar contains an entry for this variant (Variation ID: 2192833). Invitae Evidence Modeling of protein sequence and biophysical properties (such as structural, functional, and spatial information, amino acid conservation, physicochemical variation, residue mobility, and thermodynamic stability) has been performed for this missense variant. However, the output from this modeling did not meet the statistical confidence thresholds required to predict the impact of this variant on GFM2 protein function. In summary, the available evidence is currently insufficient to determine the role of this variant in disease. Therefore, it has been classified as a Variant of Uncertain Significance.

Ambry Genetics
Classification: Uncertain significance for Inborn genetic diseases. Last evaluated: 2024-04-06. Review status: criteria provided, single submitter. Criteria: Ambry Variant Classification Scheme 2023. Collection method: clinical testing. Allele origin: germline.

NM_032380.5(GFM2):c.367A>G (p.Ile123Val)

Gene: GFM2 (GTP dependent ribosome recycling factor mitochondrial 2; minus strand). Cytogenetic location: 5q13.3.
Variant type: single nucleotide variant.
Coding change: c.367A>G on transcript NM_032380.5 (MANE Select); coding-DNA position 367, A replaced by G.
Protein change: p.Ile123Val; replaces isoleucine 123 with valine.
Molecular consequence: missense variant. On other transcripts: non-coding transcript variant (1).
Genome position (GRCh38, 1-based): chr5:74,751,431, T>C on the plus strand (A>G on the coding strand, the complement: GFM2 is on the minus strand). VCF-style: chr5-74751431-T-C. GRCh37 (hg19) VCF-style: chr5-74047256-T-C.
Other names: c.367A>G, p.Ile123Val (NM_170681.3, NM_170691.3); c.463A>G, p.Ile155Val (NM_001281302.2); c.367A>G (NM_032380.3); short protein forms I123V, I155V.
Identifiers: ClinVar variation 2192833 (VCV002192833.6), dbSNP rs145665250, ClinGen allele CA3306828.